The following is an entry in ClinVar:

ClinVar aggregate classification (germline): Uncertain significance (1 of 4 stars; one submission).

Conditions:
Hereditary cancer-predisposing syndrome. Also called: Tumor predisposition; Hereditary neoplastic syndrome; Hereditary Cancer Syndrome; Neoplastic Syndromes, Hereditary. Identifiers: Orphanet 140162, MedGen C0027672, MeSH D009386, MONDO:0015356.

Submission:

Ambry Genetics
Classification: Uncertain significance for Hereditary cancer-predisposing syndrome. Last evaluated: 2023-09-15. Review status: criteria provided, single submitter. Criteria: Ambry Variant Classification Scheme 2023. Collection method: clinical testing. Allele origin: germline.
Comment: The p.A815P variant (also known as c.2443G>C), located in coding exon 14 of the ALK gene, results from a G to C substitution at nucleotide position 2443. The alanine at codon 815 is replaced by proline, an amino acid with highly similar properties. This amino acid position is conserved. In addition, the in silico prediction for this alteration is inconclusive. Since supporting evidence is limited at this time, the clinical significance of this alteration remains unclear.

NM_004304.5(ALK):c.2443G>C (p.Ala815Pro)

Gene: ALK (ALK receptor tyrosine kinase; minus strand). Cytogenetic location: 2p23.2.
Variant type: single nucleotide variant.
Coding change: c.2443G>C on transcript NM_004304.5 (MANE Select); coding-DNA position 2443, G replaced by C.
Protein change: p.Ala815Pro; replaces alanine 815 with proline.
Molecular consequence: missense variant.
Genome position (GRCh38, 1-based): chr2:29,233,609, C>G on the plus strand (G>C on the coding strand, the complement: ALK is on the minus strand). VCF-style: chr2-29233609-C-G. GRCh37 (hg19) VCF-style: chr2-29456475-C-G.
Other names: short protein forms A815P.
Identifiers: ClinVar variation 3223833 (VCV003223833.1), dbSNP rs200486099, ClinGen allele CA346472192.